The following is an entry in ClinVar:

ClinVar aggregate classification (germline): Uncertain significance. Review status: criteria provided, multiple submitters, no conflicts (2 of 4 stars). 2 submissions from 2 submitters: Uncertain significance (2). Last evaluated 2022-08-22.

Conditions:
Roberts-SC phocomelia syndrome (RBS). Also called: LONG BONE DEFICIENCIES ASSOCIATED WITH CLEFT LIP-PALATE; Hypomelia hypotrichosis facial hemangioma syndrome; ESCO2 Spectrum Disorder; Pseudothalidomide syndrome; Appelt-Gerken-Lenz syndrome. Identifiers: Orphanet 3103, MedGen C0392475, MONDO:0100253, OMIM 268300.

Allele frequency attached by ClinVar (database versions not stated): ExAC 0.00008; ESP Exome Variant Server 0.00015; gnomAD 0.00015 and 0.00016; TOPMed 0.00015; 1000 Genomes Project 0.00040; 1000 Genomes Project 30x 0.00094.
gnomAD v4.1: 45 of 1,613,398 alleles (0.0028%); highest among the groups gnomAD compares: African/African-American, 0.043%; no homozygotes.

Submissions (2):

Labcorp Genetics (formerly Invitae), Labcorp
Classification: Uncertain significance. Last evaluated: 2022-08-22. Review status: criteria provided, single submitter. Criteria: Invitae Variant Classification Sherloc (09022015). Collection method: clinical testing. Allele origin: germline.
Comment: This sequence change replaces asparagine, which is neutral and polar, with serine, which is neutral and polar, at codon 335 of the ESCO2 protein (p.Asn335Ser). This variant is present in population databases (rs138646734, gnomAD 0.05%). This variant has not been reported in the literature in individuals affected with ESCO2-related conditions. ClinVar contains an entry for this variant (Variation ID: 909987). Algorithms developed to predict the effect of missense changes on protein structure and function output the following: SIFT: "Tolerated"; PolyPhen-2: "Benign"; Align-GVGD: "Class C0". The serine amino acid residue is found in multiple mammalian species, which suggests that this missense change does not adversely affect protein function. In summary, the available evidence is currently insufficient to determine the role of this variant in disease. Therefore, it has been classified as a Variant of Uncertain Significance.

Illumina Laboratory Services, Illumina
Classification: Uncertain significance for Roberts-SC phocomelia syndrome. Last evaluated: 2018-01-12. Review status: criteria provided, single submitter. Criteria: ICSL Variant Classification Criteria 13 December 2019. Collection method: clinical testing. Allele origin: germline.

NM_001017420.3(ESCO2):c.1004A>G (p.Asn335Ser)

Gene: ESCO2 (establishment of sister chromatid cohesion N-acetyltransferase 2; plus strand). Cytogenetic location: 8p21.1.
Variant type: single nucleotide variant.
Coding change: c.1004A>G on transcript NM_001017420.3 (MANE Select); coding-DNA position 1004, A replaced by G.
Protein change: p.Asn335Ser; replaces asparagine 335 with serine.
Molecular consequence: missense variant.
Genome position (GRCh38, 1-based): chr8:27,784,048, A>G. VCF-style: chr8-27784048-A-G. GRCh37 (hg19) VCF-style: chr8-27641565-A-G.
Other names: short protein forms N335S.
Identifiers: ClinVar variation 909987 (VCV000909987.5), dbSNP rs138646734, ClinGen allele CA4692184.